The following is an entry in ClinVar:

ClinVar aggregate classification (germline): Uncertain significance. Review status: criteria provided, multiple submitters, no conflicts (2 of 4 stars). 2 submissions from 2 submitters: Uncertain significance (2). Last evaluated 2025-08-09.

Conditions:
5-Oxoprolinase deficiency (OPLAHD). Also called: 5-OXOPROLINURIA DUE TO 5-OXOPROLINASE DEFICIENCY. Identifiers: Orphanet 33572, MedGen C0268525, MONDO:0009825, OMIM 260005, HP:0040142.

Allele frequency attached by ClinVar (database versions not stated): gnomAD exomes below 0.00001; ExAC 0.00001; TOPMed 0.00002; gnomAD 0.00003.

Submissions (2):

Ambry Genetics
Classification: Uncertain significance. Last evaluated: 2025-08-09. Review status: criteria provided, single submitter. Criteria: Ambry Variant Classification Scheme 2023. Collection method: clinical testing. Allele origin: germline.

Labcorp Genetics (formerly Invitae), Labcorp
Classification: Uncertain significance for 5-Oxoprolinase deficiency. Last evaluated: 2024-12-31. Review status: criteria provided, single submitter. Criteria: Invitae Variant Classification Sherloc (09022015). Collection method: clinical testing. Allele origin: germline.
Comment: This sequence change replaces proline, which is neutral and non-polar, with serine, which is neutral and polar, at codon 480 of the OPLAH protein (p.Pro480Ser). The frequency data for this variant in the population databases is considered unreliable, as metrics indicate poor data quality at this position in the gnomAD database. This variant has not been reported in the literature in individuals affected with OPLAH-related conditions. ClinVar contains an entry for this variant (Variation ID: 1008355). Experimental studies and prediction algorithms are not available or were not evaluated, and the functional significance of this variant is currently unknown. In summary, the available evidence is currently insufficient to determine the role of this variant in disease. Therefore, it has been classified as a Variant of Uncertain Significance.

NM_017570.5(OPLAH):c.1438C>T (p.Pro480Ser)

Gene: OPLAH (5-oxoprolinase, ATP-hydrolysing; minus strand). Cytogenetic location: 8q24.3.
Variant type: single nucleotide variant.
Coding change: c.1438C>T on transcript NM_017570.5 (MANE Select); coding-DNA position 1438, C replaced by T.
Protein change: p.Pro480Ser; replaces proline 480 with serine.
Molecular consequence: missense variant.
Genome position (GRCh38, 1-based): chr8:144,057,305, G>A on the plus strand (C>T on the coding strand, the complement: OPLAH is on the minus strand). VCF-style: chr8-144057305-G-A. GRCh37 (hg19) VCF-style: chr8-145112208-G-A.
Other names: c.1438C>T (NM_017570.3); short protein forms P480S.
Identifiers: ClinVar variation 1008355 (VCV001008355.5), dbSNP rs782479445, ClinGen allele CA4931849.